The following is an entry in ClinVar:

NM_006033.4(LIPG):c.872C>T (p.Pro291Leu)

Gene: LIPG (lipase G, endothelial type; plus strand). Cytogenetic location: 18q21.1.
Variant type: single nucleotide variant.
Coding change: c.872C>T on transcript NM_006033.4 (MANE Select); coding-DNA position 872, C replaced by T.
Protein change: p.Pro291Leu; replaces proline 291 with leucine.
Molecular consequence: missense variant.
Genome position (GRCh38, 1-based): chr18:49,581,493, C>T. VCF-style: chr18-49581493-C-T. GRCh37 (hg19) VCF-style: chr18-47107863-C-T.
Other names: c.650C>T, p.Pro217Leu (NM_001308006.2); short protein forms P217L, P291L.
Identifiers: ClinVar variation 1509511 (VCV001509511.8), dbSNP rs778182634, ClinGen allele CA8959243.

ClinVar aggregate classification (germline): Uncertain significance (1 of 4 stars; one submission).

Allele frequency attached by ClinVar (database versions not stated): ExAC 0.00001; gnomAD exomes 0.00001; TOPMed 0.00001; gnomAD 0.00002.

Submission:

Labcorp Genetics (formerly Invitae), Labcorp
Classification: Uncertain significance. Last evaluated: 2023-11-22. Review status: criteria provided, single submitter. Criteria: Invitae Variant Classification Sherloc (09022015). Collection method: clinical testing. Allele origin: germline.
Comment: This sequence change replaces proline, which is neutral and non-polar, with leucine, which is neutral and non-polar, at codon 291 of the LIPG protein (p.Pro291Leu). This variant is present in population databases (rs778182634, gnomAD 0.006%). This variant has not been reported in the literature in individuals affected with LIPG-related conditions. ClinVar contains an entry for this variant (Variation ID: 1509511). An algorithm developed to predict the effect of missense changes on protein structure and function (PolyPhen-2) suggests that this variant is likely to be tolerated. In summary, the available evidence is currently insufficient to determine the role of this variant in disease. Therefore, it has been classified as a Variant of Uncertain Significance.